The following is an entry in ClinVar:

ClinVar aggregate classification (germline): Pathogenic (1 of 4 stars; one submission).

Conditions:
O'Donnell-Luria-Rodan syndrome (ODLURO). Also called: KMT2E-Related Neurodevelopmental Disorder. Identifiers: MedGen C5193138, MONDO:0032793, OMIM 618512.

Submission:

Institute of Human Genetics, University of Leipzig Medical Center
Classification: Pathogenic for O'Donnell-Luria-Rodan syndrome. Last evaluated: 2025-03-17. Review status: criteria provided, single submitter. Criteria: ACMG Guidelines, 2015. Collection method: clinical testing. Allele origin: unknown. Inheritance: Autosomal dominant inheritance. Affected: yes.
Comment: Criteria applied: PVS1,PM2

NM_182931.3(KMT2E):c.728dup (p.Ala244fs)

Gene: KMT2E (lysine methyltransferase 2E (inactive); plus strand). Cytogenetic location: 7q22.3.
Variant type: Duplication.
Coding change: c.728dup on transcript NM_182931.3 (MANE Select); coding-DNA position 728, one base duplicated (A; older notation c.728dupA).
Protein change: p.Ala244fs; shifts the reading frame from alanine 244.
Molecular consequence: frameshift variant.
Genome position (GRCh38, 1-based): chr7:105,074,814, A duplicated; the last of 5 consecutive A bases (chr7:105,074,810-105,074,814); duplicating any one gives the same sequence. VCF-style (leftmost placement, unchanged base first): chr7-105074809-T-TA. GRCh37 (hg19) VCF-style: chr7-104715256-T-TA.
Other names: c.728dup, p.Ala244fs (NM_001410908.1, NM_018682.4); short protein forms A244fs.
Identifiers: ClinVar variation 3778732 (VCV003778732.2).